The following is an entry in ClinVar:

NM_024611.6(ICE2):c.2874A>G (p.Glu958=)

Gene: ICE2 (interactor of little elongation complex ELL subunit 2; minus strand). Cytogenetic location: 15q22.2.
Variant type: single nucleotide variant.
Coding change: c.2874A>G on transcript NM_024611.6 (MANE Select); coding-DNA position 2874, A replaced by G.
Protein change: p.Glu958=; no amino-acid change (glutamic acid 958 retained).
Molecular consequence: synonymous variant. On other transcripts: non-coding transcript variant (1).
Genome position (GRCh38, 1-based): chr15:60,423,709, T>C on the plus strand (A>G on the coding strand, the complement: ICE2 is on the minus strand). VCF-style: chr15-60423709-T-C. GRCh37 (hg19) VCF-style: chr15-60715908-T-C.
Other names: c.2463A>G, p.Glu821= (NM_001018089.3).
Identifiers: ClinVar variation 3057462 (VCV003057462.2), dbSNP rs199727296, ClinGen allele CA7592591.

ClinVar aggregate classification (germline): Likely benign (0 of 4 stars; one submission).

Conditions:
ICE2-related disorder. Also called: ICE2-related condition.

Allele frequency attached by ClinVar (database versions not stated): gnomAD 0.00027; TOPMed 0.00027; ExAC 0.00048; 1000 Genomes Project 30x 0.00109; 1000 Genomes Project 0.00120.
gnomAD v4.1: 174 of 1,602,614 alleles (0.011%); highest among the groups gnomAD compares: East Asian, 0.36%; 1 homozygote.

Submission:

PreventionGenetics, part of Exact Sciences
Classification: Likely benign for ICE2-related condition. Last evaluated: 2019-02-26. Review status: no assertion criteria provided. Collection method: clinical testing. Allele origin: germline.
Comment: This variant is classified as likely benign based on ACMG/AMP sequence variant interpretation guidelines (Richards et al. 2015 PMID: 25741868, with internal and published modifications).